The following is an entry in ClinVar:

ClinVar aggregate classification (germline): Likely pathogenic (1 of 4 stars; one submission).

Submission:

GeneDx
Classification: Likely pathogenic. Last evaluated: 2019-10-01. Review status: criteria provided, single submitter. Criteria: GeneDx Variant Classification Process June 2021. Collection method: clinical testing. Allele origin: germline. Affected: yes.
Comment: Not observed in large population cohorts (Lek et al., 2016); In silico analysis, which includes protein predictors and evolutionary conservation, supports a deleterious effect; This variant is associated with the following publications: (PMID: 29162653)

NM_001375380.1(EBF3):c.471C>A (p.His157Gln)

Gene: EBF3 (EBF transcription factor 3; minus strand). Cytogenetic location: 10q26.3.
Variant type: single nucleotide variant.
Coding change: c.471C>A on transcript NM_001375380.1 (MANE Select); coding-DNA position 471, C replaced by A.
Protein change: p.His157Gln; replaces histidine 157 with glutamine.
Molecular consequence: missense variant.
Genome position (GRCh38, 1-based): chr10:129,958,948, G>T on the plus strand (C>A on the coding strand, the complement: EBF3 is on the minus strand). VCF-style: chr10-129958948-G-T. GRCh37 (hg19) VCF-style: chr10-131757212-G-T.
Other names: c.471C>A, p.His157Gln (NM_001005463.3, NM_001375379.1, NM_001375389.1 and 3 more transcripts); short protein forms H157Q.
Identifiers: ClinVar variation 430929 (VCV000430929.3), dbSNP rs1131692260, ClinGen allele CA378910634.
Genomic context (GRCh38, chr10:129,958,948, plus strand): 5'-GCGCCGAGGCAGCCCGCGCCCCCGCCGCCCGCCGCCCGCCGCTCACCTGCACATGATCTC[G>T]TGGGTCAGCAGCACACGGCACATCTCCGGGTTCTTGTCCTGGCCCTCGTAGACGATGGCC-3'
Protein context (NP_001362309.1, residues 147-167): NPEMCRVLLT[His157Gln]EIMCSRCCDK